The following is an entry in ClinVar:

NM_024656.4(COLGALT1):c.1051C>T (p.Arg351Trp)

Gene: COLGALT1 (collagen beta(1-O)galactosyltransferase 1; plus strand). Cytogenetic location: 19p13.11.
Variant type: single nucleotide variant.
Coding change: c.1051C>T on transcript NM_024656.4 (MANE Select); coding-DNA position 1051, C replaced by T.
Protein change: p.Arg351Trp; replaces arginine 351 with tryptophan.
Molecular consequence: missense variant.
Genome position (GRCh38, 1-based): chr19:17,577,385, C>T. VCF-style: chr19-17577385-C-T. GRCh37 (hg19) VCF-style: chr19-17688194-C-T.
Other names: c.1051C>T (NM_024656.2); short protein forms R351W.
Identifiers: ClinVar variation 1804297 (VCV001804297.4), dbSNP rs902377325, ClinGen allele CA306103761.
Genomic context (GRCh38, chr19:17,577,385, plus strand): 5'-AGGGGCTGATCTGGCTGGGGACTCTCCGGGCTGCAGGTCTTCATGATCAACCTGAGGCGG[C>T]GGCAGGACCGGCGGGAGCGCATGCTGCGGGCGCTGCAGGCACAGGAGATCGAGTGCCGGC-3'
Protein context (NP_078932.2, residues 341-361): DEVFMINLRR[Arg351Trp]QDRRERMLRA

ClinVar aggregate classification (germline): Uncertain significance. Review status: criteria provided, multiple submitters, no conflicts (2 of 4 stars). 2 submissions from 2 submitters: Uncertain significance (2). Last evaluated 2025-08-21.

Conditions:
Inborn genetic diseases. Identifiers: MedGen C0950123, MeSH D030342.

Allele frequency attached by ClinVar (database versions not stated): gnomAD exomes 0.00002; TOPMed 0.00003; gnomAD 0.00002.
gnomAD v4.1: 28 of 1,591,300 alleles (0.0018%); highest among the groups gnomAD compares: African/African-American, 0.0027%; no homozygotes.

Submissions (2):

Ambry Genetics
Classification: Uncertain significance for Inborn genetic diseases. Last evaluated: 2025-08-21. Review status: criteria provided, single submitter. Criteria: Ambry Variant Classification Scheme 2023. Collection method: clinical testing. Allele origin: germline.

GeneDx
Classification: Uncertain significance. Last evaluated: 2022-06-14. Review status: criteria provided, single submitter. Criteria: GeneDx Variant Classification Process June 2021. Collection method: clinical testing. Allele origin: germline. Affected: yes.
Comment: In silico analysis supports that this missense variant has a deleterious effect on protein structure/function; Has not been previously published as pathogenic or benign to our knowledge